The following is an entry in ClinVar:

NM_001042492.3(NF1):c.1004A>G (p.Asn335Ser)

Gene: NF1 (neurofibromin 1; plus strand). Cytogenetic location: 17q11.2.
Variant type: single nucleotide variant.
Coding change: c.1004A>G on transcript NM_001042492.3 (MANE Select); coding-DNA position 1004, A replaced by G.
Protein change: p.Asn335Ser; replaces asparagine 335 with serine.
Molecular consequence: missense variant.
Genome position (GRCh38, 1-based): chr17:31,200,537, A>G. VCF-style: chr17-31200537-A-G. GRCh37 (hg19) VCF-style: chr17-29527555-A-G.
Other names: c.1004A>G, p.Asn335Ser (NM_000267.4, NM_001128147.3); short protein forms N335S.
Identifiers: ClinVar variation 457510 (VCV000457510.17), dbSNP rs758212945, ClinGen allele CA8485667.

ClinVar aggregate classification (germline): Conflicting classifications of pathogenicity. Review status: criteria provided, conflicting classifications (1 of 4 stars). 7 submissions from 7 submitters: Uncertain significance (5); Benign (1); Likely benign (1). Last evaluated 2026-01-08.

Conditions:
Hereditary cancer-predisposing syndrome. Also called: Neoplastic Syndromes, Hereditary; Tumor predisposition; Hereditary neoplastic syndrome; Hereditary Cancer Syndrome. Identifiers: Orphanet 140162, MedGen C0027672, MeSH D009386, MONDO:0015356.
Cardiovascular phenotype. Identifiers: MedGen CN230736.
Neurofibromatosis, type 1 (NF1). Also called: Peripheral type neurofibromatosis; VON RECKLINGHAUSEN DISEASE; NEUROFIBROMATOSIS, TYPE I, SOMATIC; Neurofibromatosis, type I. Identifiers: Orphanet 636, MedGen C0027831, MONDO:0018975, OMIM 162200. Disease mechanism: loss of function.

Allele frequency attached by ClinVar (database versions not stated): TOPMed below 0.00001; gnomAD 0.00001; ExAC 0.00002; gnomAD exomes 0.00002.
gnomAD v4.1: 9 of 1,614,062 alleles (0.00056%); highest among the groups gnomAD compares: Middle Eastern, 0.016%; no homozygotes.

Submissions (7):

Dasa
Classification: Uncertain significance. Last evaluated: 2026-01-08. Review status: criteria provided, single submitter. Criteria: DASA Assertion Criteria. Collection method: clinical testing. Allele origin: germline.
Comment: NM_001042492.3(NF1):c.1004A>G (p.Asn335Ser) is a missense variant that results in the substitution of asparagine with serine. Multiple computational predictions suggest no deleterious effect on the gene or gene product. The variant is present at low frequency in population datasets. Based on the available data, this variant is classified as variant of uncertain significance.

Labcorp Genetics (formerly Invitae), Labcorp
Classification: Benign for Neurofibromatosis, type 1. Last evaluated: 2025-12-13. Review status: criteria provided, single submitter. Criteria: Invitae Variant Classification Sherloc (09022015). Collection method: clinical testing. Allele origin: germline.

Quest Diagnostics Nichols Institute San Juan Capistrano
Classification: Uncertain significance. Last evaluated: 2025-06-25. Review status: criteria provided, single submitter. Criteria: Quest Diagnostics criteria. Collection method: clinical testing. Allele origin: unknown.

Ambry Genetics
Classification: Likely benign for Cardiovascular phenotype; Hereditary cancer-predisposing syndrome. Last evaluated: 2024-01-16. Review status: criteria provided, single submitter. Criteria: Ambry Variant Classification Scheme 2023. Collection method: clinical testing. Allele origin: germline.

Medical Genetics, University of Parma
Classification: Uncertain significance for Neurofibromatosis, type 1. Last evaluated: 2022-08-17. Review status: criteria provided, single submitter. Criteria: ACMG Guidelines, 2015. Collection method: clinical testing. Allele origin: germline. Inheritance: Autosomal dominant inheritance. Affected: yes.

Genome-Nilou Lab
Classification: Uncertain significance for Neurofibromatosis, type 1. Last evaluated: 2022-03-15. Review status: criteria provided, single submitter. Criteria: ACMG Guidelines, 2015. Collection method: clinical testing. Allele origin: germline. Affected: no.

Blueprint Genetics
Classification: Uncertain significance. Last evaluated: 2021-06-25. Review status: criteria provided, single submitter. Criteria: ACMG Guidelines, 2015. Collection method: clinical testing. Allele origin: germline.